The following is an entry in ClinVar:

NM_000053.4(ATP7B):c.1727C>T (p.Ala576Val)

Gene: ATP7B (ATPase copper transporting beta; minus strand). Cytogenetic location: 13q14.3.
Variant type: single nucleotide variant.
Coding change: c.1727C>T on transcript NM_000053.4 (MANE Select); coding-DNA position 1727, C replaced by T.
Protein change: p.Ala576Val; replaces alanine 576 with valine.
Molecular consequence: missense variant.
Genome position (GRCh38, 1-based): chr13:51,965,014, G>A on the plus strand (C>T on the coding strand, the complement: ATP7B is on the minus strand). VCF-style: chr13-51965014-G-A. GRCh37 (hg19) VCF-style: chr13-52539150-G-A.
Other names: c.1727C>T, p.Ala576Val (NM_001406531.1, NM_001406532.1, NM_001406534.1 and 24 more transcripts); c.1631C>T, p.Ala544Val (NM_001406536.1, NM_001406517.1, NM_001406518.1 and 3 more transcripts); c.1298C>T, p.Ala433Val (NM_001406539.1); c.1727C>T (NM_000053.3); c.1394C>T, p.Ala465Val (NM_001243182.2); c.1694C>T, p.Ala565Val (NM_001406514.1, NM_001406524.1); short protein forms A565V, A433V, A576V, A465V, A544V.
Identifiers: ClinVar variation 2141850 (VCV002141850.30), dbSNP rs778293661, ClinGen allele CA6989239.

ClinVar aggregate classification (germline): Uncertain significance. Review status: criteria provided, multiple submitters, no conflicts (2 of 4 stars). 7 submissions from 7 submitters: Uncertain significance (7). Last evaluated 2025-11-10.

Conditions:
Wilson disease (WND). Also called: Wilson's disease. Identifiers: Orphanet 905, MedGen C0019202, MONDO:0010200, OMIM 277900. Disease mechanism: loss of function.

Allele frequency attached by ClinVar (database versions not stated): ExAC 0.00002; gnomAD exomes 0.00002; gnomAD 0.00004; TOPMed 0.00004.

Submissions (7):

Women's Health and Genetics/Laboratory Corporation of America, LabCorp
Classification: Uncertain significance. Last evaluated: 2025-11-10. Review status: criteria provided, single submitter. Criteria: LabCorp Variant Classification Summary - May 2015. Collection method: clinical testing. Allele origin: germline.
Comment: Variant summary: ATP7B c.1727C>T (p.Ala576Val) results in a non-conservative amino acid change in the encoded protein sequence. Algorithms developed to predict the effect of missense changes on protein structure and function are either unavailable or do not agree on the potential impact of this missense change. The variant allele was found at a frequency of 1.6e-05 in 249546 control chromosomes. The available data on variant occurrences in the general population are insufficient to allow any conclusion about variant significance. To our knowledge, no occurrence of c.1727C>T in individuals affected with ATP7B-related conditions and no experimental evidence demonstrating its impact on protein function have been reported. ClinVar contains an entry for this variant (Variation ID: 2141850). Based on the evidence outlined above, the variant was classified as uncertain significance.

Color Diagnostics, LLC DBA Color Health
Classification: Uncertain significance for Wilson disease. Last evaluated: 2025-07-29. Review status: criteria provided, single submitter. Criteria: ACMG Guidelines, 2015. Collection method: clinical testing. Allele origin: germline.
Comment: This missense variant replaces alanine with valine at codon 576 of the ATP7B protein. Computational prediction suggests that this variant may have deleterious impact on protein structure and function. To our knowledge, functional studies have not been reported for this variant. This variant has not been reported in individuals affected with ATP7B-related disorders in the literature. This variant has been identified in 5/280938 chromosomes in the general population by the Genome Aggregation Database (gnomAD). The available evidence is insufficient to determine the role of this variant in disease conclusively. Therefore, this variant is classified as a Variant of Uncertain Significance.

GeneDx
Classification: Uncertain significance. Last evaluated: 2024-12-18. Review status: criteria provided, single submitter. Criteria: GeneDx Variant Classification Process June 2021. Collection method: clinical testing. Allele origin: germline. Affected: yes.
Comment: In silico analysis supports that this missense variant has a deleterious effect on protein structure/function; Has not been previously published as pathogenic or benign to our knowledge

All of Us Research Program, National Institutes of Health
Classification: Uncertain significance for Wilson disease. Last evaluated: 2024-06-17. Review status: criteria provided, single submitter. Criteria: ACMG Guidelines, 2015. Collection method: clinical testing. Allele origin: germline. Inheritance: Autosomal recessive inheritance. Observed: 14 variant alleles, 14 heterozygotes.
Comment: This missense variant replaces alanine with valine at codon 576 of the ATP7B protein. Computational prediction suggests that this variant may have deleterious impact on protein structure and function (internally defined REVEL score threshold >= 0.7, PMID: 27666373). To our knowledge, functional studies have not been reported for this variant. This variant has not been reported in individuals affected with ATP7B-related disorders in the literature. This variant has been identified in 5/280938 chromosomes in the general population by the Genome Aggregation Database (gnomAD). The available evidence is insufficient to determine the role of this variant in disease conclusively. Therefore, this variant is classified as a Variant of Uncertain Significance.

This study involves interpretation of variants in research participants for the purpose of population health screening. Participant phenotype was not available at the time of variant classification. Additional details can be found in publication PMID: 35346344, PMCID: PMC8962531

Blueprint Genetics
Classification: Uncertain significance. Last evaluated: 2023-10-18. Review status: criteria provided, single submitter. Criteria: ACMG Guidelines, 2015. Collection method: clinical testing. Allele origin: germline.

CeGaT Center for Human Genetics Tuebingen
Classification: Uncertain significance. Last evaluated: 2022-12-01. Review status: criteria provided, single submitter. Criteria: CeGaT Center For Human Genetics Tuebingen Variant Classification Criteria Version 2. Collection method: clinical testing. Allele origin: germline. Affected: yes. Observed: 1 variant allele.
Comment: ATP7B: PM1, PM2

Labcorp Genetics (formerly Invitae), Labcorp
Classification: Uncertain significance for Wilson disease. Last evaluated: 2022-03-01. Review status: criteria provided, single submitter. Criteria: Invitae Variant Classification Sherloc (09022015). Collection method: clinical testing. Allele origin: germline.
Comment: This sequence change replaces alanine, which is neutral and non-polar, with valine, which is neutral and non-polar, at codon 576 of the ATP7B protein (p.Ala576Val). This variant is present in population databases (rs778293661, gnomAD 0.03%). This variant has not been reported in the literature in individuals affected with ATP7B-related conditions. Advanced modeling of protein sequence and biophysical properties (such as structural, functional, and spatial information, amino acid conservation, physicochemical variation, residue mobility, and thermodynamic stability) performed at Invitae indicates that this missense variant is expected to disrupt ATP7B protein function. In summary, the available evidence is currently insufficient to determine the role of this variant in disease. Therefore, it has been classified as a Variant of Uncertain Significance.